The following is an entry in ClinVar:

ClinVar aggregate classification (germline): Uncertain significance (1 of 4 stars; one submission).

Allele frequency attached by ClinVar (database versions not stated): gnomAD 0.00001.
gnomAD v4.1: 1 of 1,612,982 alleles (0.000062%); highest among the groups gnomAD compares: African/African-American, 0.0013%; no homozygotes.

Submission:

Labcorp Genetics (formerly Invitae), Labcorp
Classification: Uncertain significance. Last evaluated: 2022-04-19. Review status: criteria provided, single submitter. Criteria: Invitae Variant Classification Sherloc (09022015). Collection method: clinical testing. Allele origin: germline.
Comment: This sequence change falls in intron 4 of the AASS gene. It does not directly change the encoded amino acid sequence of the AASS protein. This variant is not present in population databases (gnomAD no frequency). In summary, the available evidence is currently insufficient to determine the role of this variant in disease. Therefore, it has been classified as a Variant of Uncertain Significance. Algorithms developed to predict the effect of sequence changes on RNA splicing suggest that this variant may disrupt the consensus splice site. This variant has not been reported in the literature in individuals affected with AASS-related conditions.

NM_005763.4(AASS):c.473-7G>T

Gene: AASS (aminoadipate-semialdehyde synthase; minus strand). Cytogenetic location: 7q31.32.
Variant type: single nucleotide variant.
Coding change: c.473-7G>T on transcript NM_005763.4 (MANE Select); 7 bases into the intron before coding-DNA position 473, G replaced by T.
Molecular consequence: intron variant.
Genome position (GRCh38, 1-based): chr7:122,118,637, C>A on the plus strand (G>T on the coding strand, the complement: AASS is on the minus strand). VCF-style: chr7-122118637-C-A. GRCh37 (hg19) VCF-style: chr7-121758691-C-A.
Identifiers: ClinVar variation 2049690 (VCV002049690.4), dbSNP rs945402110, ClinGen allele CA165932937.